The following is an entry in ClinVar:

NM_177438.3(DICER1):c.5550C>T (p.Pro1850=)

Gene: DICER1 (dicer 1, ribonuclease III; minus strand). Cytogenetic location: 14q32.13.
Variant type: single nucleotide variant.
Coding change: c.5550C>T on transcript NM_177438.3 (MANE Select); coding-DNA position 5550, C replaced by T.
Protein change: p.Pro1850=; no amino-acid change (proline 1850 retained).
Molecular consequence: synonymous variant. On other transcripts: missense variant (1).
Genome position (GRCh38, 1-based): chr14:95,091,087, G>A on the plus strand (C>T on the coding strand, the complement: DICER1 is on the minus strand). VCF-style: chr14-95091087-G-A. GRCh37 (hg19) VCF-style: chr14-95557424-G-A.
Other names: c.5387C>T, p.Pro1796Leu (NM_001195573.1); c.5550C>T, p.Pro1850= (NM_001271282.3, NM_001291628.2, NM_030621.4); short protein forms P1796L.
Identifiers: ClinVar variation 723047 (VCV000723047.17), dbSNP rs377325189, ClinGen allele CA7330632.

ClinVar aggregate classification (germline): Benign/Likely benign. Review status: criteria provided, multiple submitters, no conflicts (2 of 4 stars). 3 submissions from 3 submitters: Benign (1); Likely benign (2). Last evaluated 2026-04-21.

Conditions:
DICER1-related tumor predisposition. Also called: DICER1-related pleuropulmonary blastoma cancer predisposition syndrome; DICER1 syndrome. Identifiers: Orphanet 284343, MedGen C3839822, MONDO:0100216.
Hereditary cancer-predisposing syndrome. Also called: Hereditary Cancer Syndrome; Hereditary neoplastic syndrome; Neoplastic Syndromes, Hereditary; Tumor predisposition. Identifiers: Orphanet 140162, MedGen C0027672, MeSH D009386, MONDO:0015356.

Allele frequency attached by ClinVar (database versions not stated): ESP Exome Variant Server 0.00008; TOPMed below 0.00001; ExAC 0.00001.
gnomAD v4.1: 1 of 1,614,006 alleles (0.000062%); highest among the groups gnomAD compares: Non-Finnish European, 0.000085%; no homozygotes.

Submissions (3):

Myriad Genetics, Inc.
Classification: Benign for DICER1-related tumor predisposition. Last evaluated: 2026-04-21. Review status: criteria provided, single submitter. Criteria: Myriad Autosomal Dominant, Autosomal Recessive and X-Linked Classification Criteria (2023). Collection method: clinical testing. Allele origin: unknown.
Comment: This variant is considered benign. This variant is a silent/synonymous amino acid change and it is not expected to impact splicing.

Labcorp Genetics (formerly Invitae), Labcorp
Classification: Likely benign for DICER1-related tumor predisposition. Last evaluated: 2026-01-01. Review status: criteria provided, single submitter. Criteria: Invitae Variant Classification Sherloc (09022015). Collection method: clinical testing. Allele origin: germline.

Ambry Genetics
Classification: Likely benign for Hereditary cancer-predisposing syndrome. Last evaluated: 2018-09-21. Review status: criteria provided, single submitter. Criteria: Ambry Variant Classification Scheme 2023. Collection method: clinical testing. Allele origin: germline.